The following is an entry in ClinVar:

ClinVar aggregate classification (germline): Benign/Likely benign. Review status: criteria provided, multiple submitters, no conflicts (2 of 4 stars). 6 submissions from 6 submitters: Benign (1); Likely benign (5). Last evaluated 2026-04-10.

Conditions:
LAMA4-related disorder. Also called: LAMA4-related condition.
Cardiovascular phenotype. Identifiers: MedGen CN230736.
Dilated cardiomyopathy 1JJ (CMD1JJ). Identifiers: Orphanet 154, MedGen C3808935, MONDO:0014095, OMIM 615235.

Allele frequency attached by ClinVar (database versions not stated): ESP Exome Variant Server 0.00023; gnomAD 0.00028 and 0.00031; TOPMed 0.00028; 1000 Genomes Project 30x 0.00031; 1000 Genomes Project 0.00040; gnomAD exomes 0.00003 and 0.00008; ExAC 0.00007.
gnomAD v4.1: 90 of 1,614,022 alleles (0.0056%); highest among the groups gnomAD compares: African/African-American, 0.11%; no homozygotes.

Submissions (6):

Women's Health and Genetics/Laboratory Corporation of America, LabCorp
Classification: Benign. Last evaluated: 2026-04-10. Review status: criteria provided, single submitter. Criteria: LabCorp Variant Classification Summary - May 2015. Collection method: clinical testing. Allele origin: germline.

Labcorp Genetics (formerly Invitae), Labcorp
Classification: Likely benign for Dilated cardiomyopathy 1JJ. Last evaluated: 2025-11-16. Review status: criteria provided, single submitter. Criteria: Invitae Variant Classification Sherloc (09022015). Collection method: clinical testing. Allele origin: germline.

PreventionGenetics, part of Exact Sciences
Classification: Likely benign for LAMA4-related condition. Last evaluated: 2025-02-10. Review status: criteria provided, single submitter. Criteria: ACMG Guidelines, 2015. Collection method: clinical testing. Allele origin: germline.
Comment: This variant is classified as likely benign based on ACMG/AMP sequence variant interpretation guidelines (Richards et al. 2015 PMID: 25741868, with internal and published modifications).

GeneDx
Classification: Likely benign. Last evaluated: 2020-03-12. Review status: criteria provided, single submitter. Criteria: GeneDx Variant Classification Process June 2021. Collection method: clinical testing. Allele origin: germline. Affected: yes.

Ambry Genetics
Classification: Likely benign for Cardiovascular phenotype. Last evaluated: 2019-07-08. Review status: criteria provided, single submitter. Criteria: Ambry Variant Classification Scheme 2023. Collection method: clinical testing. Allele origin: germline.

Laboratory for Molecular Medicine, Mass General Brigham Personalized Medicine
Classification: Likely benign. Last evaluated: 2012-03-19. Review status: criteria provided, single submitter. Criteria: LMM Criteria. Collection method: clinical testing. Allele origin: germline. Observed: 1 variant allele.
Comment: p.Ile1535Ile in Exon 33 of LAMA4: This variant is not expected to have clinical significance because it does not alter an amino acid residue, is not located wit hin the splice consensus sequence. It has been identified in 0.1% (3/3738) of Af rican American chromosomes from a broad population by the NHLBI Exome Sequencing Project (dbSNP rs150791451).

NM_001105206.3(LAMA4):c.4626T>C (p.Ile1542=)

Gene: LAMA4 (laminin subunit alpha 4; minus strand). Cytogenetic location: 6q21.
Variant type: single nucleotide variant.
Coding change: c.4626T>C on transcript NM_001105206.3 (MANE Select); coding-DNA position 4626, T replaced by C.
Protein change: p.Ile1542=; no amino-acid change (isoleucine 1542 retained).
Molecular consequence: synonymous variant.
Genome position (GRCh38, 1-based): chr6:112,120,322, A>G on the plus strand (T>C on the coding strand, the complement: LAMA4 is on the minus strand). VCF-style: chr6-112120322-A-G. GRCh37 (hg19) VCF-style: chr6-112441525-A-G.
Other names: c.4605T>C, p.Ile1535= (NM_001105207.3, NM_002290.5).
Identifiers: ClinVar variation 178052 (VCV000178052.21), dbSNP rs150791451, ClinGen allele CA181283.